The following is an entry in ClinVar:

ClinVar aggregate classification (germline): Pathogenic. Review status: no assertion criteria provided (0 of 4 stars). 2 submissions from 2 submitters: Pathogenic (2). Last evaluated 2024-02-20.

Conditions:
IKBKB-related disorder. Also called: IKBKB-related condition.
Severe combined immunodeficiency due to IKK2 deficiency. Also called: IMMUNODEFICIENCY 15B; Immunodeficiency 15. Identifiers: Orphanet 397787, MedGen C4747743, MONDO:0014267, OMIM 615592.

Submissions (2):

PreventionGenetics, part of Exact Sciences
Classification: Pathogenic for IKBKB-related condition. Last evaluated: 2024-02-20. Review status: no assertion criteria provided. Collection method: clinical testing. Allele origin: germline.
Comment: The IKBKB c.1292dupG variant is predicted to result in a frameshift and premature protein termination (p.Gln432Profs*62). This variant has been reported in the homozygous state in several individuals with IKBKB-related immune deficiency (Pannicke et al. 2013. PubMed ID: 24369075; Rubin et al. 2018. PubMed ID: 30288645; Cuvelier et al. 2019. PubMed ID: 30391351). This variant has not been reported in a large population database, indicating this variant is rare. Frameshift variants in IKBKB are expected to be pathogenic. This variant is interpreted as pathogenic.

OMIM
Classification: Pathogenic for IMMUNODEFICIENCY 15B. Last evaluated: 2013-12-26. Review status: no assertion criteria provided. Collection method: literature only. Allele origin: germline.

Literature cited by the submitters: PubMed 24369075 (cited by OMIM); PubMed 10195897 (cited by OMIM).

NM_001556.3(IKBKB):c.1292dup (p.Gln432fs)

Gene: IKBKB (inhibitor of nuclear factor kappa B kinase subunit beta; plus strand). Cytogenetic location: 8p11.21.
Variant type: Duplication.
Coding change: c.1292dup on transcript NM_001556.3 (MANE Select); coding-DNA position 1292, one base duplicated (G; older notation c.1292dupG).
Protein change: p.Gln432fs; shifts the reading frame from glutamine 432.
Molecular consequence: frameshift variant. On other transcripts: non-coding transcript variant (3).
Genome position (GRCh38, 1-based): chr8:42,318,603, G duplicated; the last of 4 consecutive G bases (chr8:42,318,600-42,318,603); duplicating any one gives the same sequence. VCF-style (leftmost placement, unchanged base first): chr8-42318599-T-TG. GRCh37 (hg19) VCF-style: chr8-42176117-T-TG.
Other names: c.1100dup, p.Gln368fs (NM_001190720.3); c.1115dup, p.Gln373fs (NM_001242778.2); c.1292dupG (NM_001556.2); short protein forms Q432fs, Q373fs, Q368fs.
Identifiers: ClinVar variation 102445 (VCV000102445.3), dbSNP rs886041036, ClinGen allele CA10602384.